The following is an entry in ClinVar:

NM_004958.4(MTOR):c.5639A>T (p.Tyr1880Phe)

Gene: MTOR (mechanistic target of rapamycin kinase; minus strand). Cytogenetic location: 1p36.22.
Variant type: single nucleotide variant.
Coding change: c.5639A>T on transcript NM_004958.4 (MANE Select); coding-DNA position 5639, A replaced by T.
Protein change: p.Tyr1880Phe; replaces tyrosine 1880 with phenylalanine.
Molecular consequence: missense variant.
Genome position (GRCh38, 1-based): chr1:11,129,813, T>A on the plus strand (A>T on the coding strand, the complement: MTOR is on the minus strand). VCF-style: chr1-11129813-T-A. GRCh37 (hg19) VCF-style: chr1-11189870-T-A.
Other names: c.5639A>T, p.Tyr1880Phe (NM_001386500.1); c.4391A>T, p.Tyr1464Phe (NM_001386501.1); short protein forms Y1464F, Y1880F.
Identifiers: ClinVar variation 2088080 (VCV002088080.4), dbSNP rs2100424238, ClinGen allele CA338397772.
Genomic context (GRCh38, chr1:11,129,813, plus strand): 5'-AGGTTGTTGCCTCGTGACAAGGAGATGGAACGGAAGAAGCCCTGGACGGCAGGCACCGTG[T>A]ACATCAGGAGGGTTTTGGACAGATCCTGTTGGAACACACACGTGTTAGCGACACTCTTGC-3'
Protein context (NP_004949.1, residues 1870-1890): TEDLSKTLLM[Tyr1880Phe]TVPAVQGFFR

ClinVar aggregate classification (germline): Uncertain significance (1 of 4 stars; one submission).

Submission:

Labcorp Genetics (formerly Invitae), Labcorp
Classification: Uncertain significance. Last evaluated: 2022-11-01. Review status: criteria provided, single submitter. Criteria: Invitae Variant Classification Sherloc (09022015). Collection method: clinical testing. Allele origin: germline.
Comment: This sequence change replaces tyrosine, which is neutral and polar, with phenylalanine, which is neutral and non-polar, at codon 1880 of the MTOR protein (p.Tyr1880Phe). This variant is not present in population databases (gnomAD no frequency). This variant has not been reported in the literature in individuals affected with MTOR-related conditions. Advanced modeling of protein sequence and biophysical properties (such as structural, functional, and spatial information, amino acid conservation, physicochemical variation, residue mobility, and thermodynamic stability) performed at Invitae indicates that this missense variant is not expected to disrupt MTOR protein function. In summary, the available evidence is currently insufficient to determine the role of this variant in disease. Therefore, it has been classified as a Variant of Uncertain Significance.